The following is an entry in ClinVar:

NM_000057.4(BLM):c.3863G>C (p.Trp1288Ser)

Gene: BLM (BLM RecQ like helicase; plus strand). Cytogenetic location: 15q26.1.
Variant type: single nucleotide variant.
Coding change: c.3863G>C on transcript NM_000057.4 (MANE Select); coding-DNA position 3863, G replaced by C.
Protein change: p.Trp1288Ser; replaces tryptophan 1288 with serine.
Molecular consequence: missense variant.
Genome position (GRCh38, 1-based): chr15:90,809,248, G>C. VCF-style: chr15-90809248-G-C. GRCh37 (hg19) VCF-style: chr15-91352478-G-C.
Other names: c.3863G>C, p.Trp1288Ser (NM_001287246.2); c.3470G>C, p.Trp1157Ser (NM_001287247.2); c.2738G>C, p.Trp913Ser (NM_001287248.2); short protein forms W1288S, W1157S, W913S.
Identifiers: ClinVar variation 4843397 (VCV004843397.1).

ClinVar aggregate classification (germline): Uncertain significance (1 of 4 stars; one submission).

Conditions:
Hereditary cancer-predisposing syndrome. Also called: Neoplastic Syndromes, Hereditary; Tumor predisposition; Hereditary Cancer Syndrome; Hereditary neoplastic syndrome. Identifiers: Orphanet 140162, MedGen C0027672, MeSH D009386, MONDO:0015356.

Submission:

Ambry Genetics
Classification: Uncertain significance for Hereditary cancer-predisposing syndrome. Last evaluated: 2026-01-06. Review status: criteria provided, single submitter. Criteria: Ambry Variant Classification Scheme 2023. Collection method: clinical testing. Allele origin: germline.
Comment: The p.W1288S variant (also known as c.3863G>C), located in coding exon 19 of the BLM gene, results from a G to C substitution at nucleotide position 3863. The tryptophan at codon 1288 is replaced by serine, an amino acid with highly dissimilar properties. This amino acid position is conserved. In addition, the in silico prediction for this alteration is inconclusive. Based on the available evidence, the clinical significance of this variant remains unclear.